The following is an entry in ClinVar:

NM_018706.7(DHTKD1):c.35G>T (p.Gly12Val)

Gene: DHTKD1 (dehydrogenase E1 and transketolase domain containing 1; plus strand). Cytogenetic location: 10p14.
Variant type: single nucleotide variant.
Coding change: c.35G>T on transcript NM_018706.7 (MANE Select); coding-DNA position 35, G replaced by T.
Protein change: p.Gly12Val; replaces glycine 12 with valine.
Molecular consequence: missense variant.
Genome position (GRCh38, 1-based): chr10:12,069,068, G>T. VCF-style: chr10-12069068-G-T. GRCh37 (hg19) VCF-style: chr10-12111067-G-T.
Other names: short protein forms G12V.
Identifiers: ClinVar variation 3627426 (VCV003627426.2).

ClinVar aggregate classification (germline): Uncertain significance (1 of 4 stars; one submission).

Conditions:
2-aminoadipic 2-oxoadipic aciduria (AAKAD). Also called: Aminoadipic aciduria; ALPHA-AMINOADIPIC AND ALPHA-KETOADIPIC ACIDURIA. Identifiers: Orphanet 79154, MedGen C1859817, MONDO:0008774, OMIM 204750.

gnomAD v4.1: 6 of 1,613,040 alleles (0.00037%); highest among the groups gnomAD compares: Non-Finnish European, 0.00051%; no homozygotes.

Submission:

Labcorp Genetics (formerly Invitae), Labcorp
Classification: Uncertain significance for 2-aminoadipic 2-oxoadipic aciduria. Last evaluated: 2024-12-19. Review status: criteria provided, single submitter. Criteria: Invitae Variant Classification Sherloc (09022015). Collection method: clinical testing. Allele origin: germline.
Comment: This sequence change replaces glycine, which is neutral and non-polar, with valine, which is neutral and non-polar, at codon 12 of the DHTKD1 protein (p.Gly12Val). This variant is not present in population databases (gnomAD no frequency). This variant has not been reported in the literature in individuals affected with DHTKD1-related conditions. An algorithm developed to predict the effect of missense changes on protein structure and function outputs the following: PolyPhen-2: "Not Available". The valine amino acid residue is found in multiple mammalian species, which suggests that this missense change does not adversely affect protein function. In summary, the available evidence is currently insufficient to determine the role of this variant in disease. Therefore, it has been classified as a Variant of Uncertain Significance.